The following is an entry in ClinVar:

ClinVar aggregate classification (germline): Uncertain significance (1 of 4 stars; one submission).

Conditions:
Spinocerebellar ataxia, autosomal recessive, with axonal neuropathy 2 (SCAN2). Also called: Ataxia-ocular apraxia-2; Ataxia with Oculomotor Apraxia; Ataxia with Oculomotor Apraxia Type 2; ATAXIA-OCULOMOTOR APRAXIA 2. Identifiers: Orphanet 64753, MedGen C1853761, MONDO:0018996, OMIM 606002.
Amyotrophic lateral sclerosis type 4 (ALS4). Also called: AMYOTROPHIC LATERAL SCLEROSIS 4, JUVENILE; NEURONOPATHY, DISTAL HEREDITARY MOTOR, WITH PYRAMIDAL FEATURES. Identifiers: Orphanet 357043, MedGen C1865409, MONDO:0011223, OMIM 602433.

Allele frequency attached by ClinVar (database versions not stated): gnomAD exomes below 0.00001.
gnomAD v4.1: 1 of 1,613,772 alleles (0.000062%); highest among the groups gnomAD compares: South Asian, 0.0011%; no homozygotes.

Submission:

Labcorp Genetics (formerly Invitae), Labcorp
Classification: Uncertain significance for Amyotrophic lateral sclerosis type 4; Spinocerebellar ataxia, autosomal recessive, with axonal neuropathy 2. Last evaluated: 2021-06-01. Review status: criteria provided, single submitter. Criteria: Invitae Variant Classification Sherloc (09022015). Collection method: clinical testing. Allele origin: germline.
Comment: In summary, the available evidence is currently insufficient to determine the role of this variant in disease. Therefore, it has been classified as a Variant of Uncertain Significance. Advanced modeling of protein sequence and biophysical properties (such as structural, functional, and spatial information, amino acid conservation, physicochemical variation, residue mobility, and thermodynamic stability) performed at Invitae indicates that this missense variant is not expected to disrupt SETX protein function. This variant has not been reported in the literature in individuals with SETX-related conditions. This variant is not present in population databases (ExAC no frequency). This sequence change replaces glutamine with glutamic acid at codon 1831 of the SETX protein (p.Gln1831Glu). The glutamine residue is weakly conserved and there is a small physicochemical difference between glutamine and glutamic acid.

NM_015046.7(SETX):c.5491C>G (p.Gln1831Glu)

Gene: SETX (senataxin; minus strand). Cytogenetic location: 9q34.13.
Variant type: single nucleotide variant.
Coding change: c.5491C>G on transcript NM_015046.7 (MANE Select); coding-DNA position 5491, C replaced by G.
Protein change: p.Gln1831Glu; replaces glutamine 1831 with glutamic acid.
Molecular consequence: missense variant.
Genome position (GRCh38, 1-based): chr9:132,300,687, G>C on the plus strand (C>G on the coding strand, the complement: SETX is on the minus strand). VCF-style: chr9-132300687-G-C. GRCh37 (hg19) VCF-style: chr9-135176074-G-C.
Other names: c.5491C>G, p.Gln1831Glu (NM_001351527.2, NM_001351528.2); short protein forms Q1831E.
Identifiers: ClinVar variation 1462383 (VCV001462383.8), dbSNP rs2131306081, ClinGen allele CA375347921.